The following is an entry in ClinVar:

NM_001737.5(C9):c.1240+5G>T

Gene: C9 (complement C9; minus strand). Cytogenetic location: 5p13.1.
Variant type: single nucleotide variant.
Coding change: c.1240+5G>T on transcript NM_001737.5 (MANE Select); 5 bases into the intron after coding-DNA position 1240, G replaced by T.
Molecular consequence: intron variant.
Genome position (GRCh38, 1-based): chr5:39,308,225, C>A on the plus strand (G>T on the coding strand, the complement: C9 is on the minus strand). VCF-style: chr5-39308225-C-A. GRCh37 (hg19) VCF-style: chr5-39308327-C-A.
Identifiers: ClinVar variation 3604457 (VCV003604457.3).

ClinVar aggregate classification (germline): Uncertain significance. Review status: criteria provided, multiple submitters, no conflicts (2 of 4 stars). 2 submissions from 2 submitters: Uncertain significance (2). Last evaluated 2026-01-19.

gnomAD v4.1: 92 of 1,612,898 alleles (0.0057%); highest among the groups gnomAD compares: Non-Finnish European, 0.0076%; no homozygotes.

Submissions (2):

Labcorp Genetics (formerly Invitae), Labcorp
Classification: Uncertain significance. Last evaluated: 2026-01-19. Review status: criteria provided, single submitter. Criteria: Invitae Variant Classification Sherloc (09022015). Collection method: clinical testing. Allele origin: germline.
Comment: This sequence change falls in intron 8 of the C9 gene. It does not directly change the encoded amino acid sequence of the C9 protein. It affects a nucleotide within the consensus splice site. This variant is present in population databases (rs771063043, gnomAD 0.009%). This variant has not been reported in the literature in individuals affected with C9-related conditions. ClinVar contains an entry for this variant (Variation ID: 3604457). Variants that disrupt the consensus splice site are a relatively common cause of aberrant splicing (PMID: 17576681, 9536098). Algorithms developed to predict the effect of sequence changes on RNA splicing suggest that this variant may disrupt the consensus splice site. In summary, the available evidence is currently insufficient to determine the role of this variant in disease. Therefore, it has been classified as a Variant of Uncertain Significance.

Blueprint Genetics
Classification: Uncertain significance. Last evaluated: 2024-11-04. Review status: criteria provided, single submitter. Criteria: ACMG Guidelines, 2015. Collection method: clinical testing. Allele origin: germline.

Literature cited by the submitters: PubMed 17576681 (cited by Labcorp Genetics (formerly Invitae), Labcorp); PubMed 9536098 (cited by Labcorp Genetics (formerly Invitae), Labcorp).